The following is an entry in ClinVar:

NM_001042492.3(NF1):c.7947_7948del (p.Phe2650fs)

Gene: NF1 (neurofibromin 1; plus strand). Cytogenetic location: 17q11.2.
Variant type: Microsatellite.
Coding change: c.7947_7948del on transcript NM_001042492.3 (MANE Select); coding-DNA positions 7947 to 7948, 2 bases deleted (GT; older notation c.7947_7948delGT).
Protein change: p.Phe2650fs; shifts the reading frame from phenylalanine 2650.
Molecular consequence: frameshift variant.
Genome position (GRCh38, 1-based): chr17:31,357,346-31,357,347, GT deleted; deleting any 2 consecutive bases within chr17:31,357,343-31,357,347 gives the same sequence; the c. name uses the placement nearest the transcript's 3' end. VCF-style (leftmost placement, unchanged base first): chr17-31357342-TTG-T. GRCh37 (hg19) VCF-style: chr17-29684360-TTG-T.
Other names: c.7884_7885delGT (NM_000267.3); c.7882_7883GT[1], p.Phe2629Serfs (NM_000267.4); short protein forms F2650fs, F2629fs.
Identifiers: ClinVar variation 862375 (VCV000862375.11), dbSNP rs2070298589, ClinGen allele CA916080682.
Genomic context (GRCh38, chr17:31,357,342, plus strand): 5'-AATATACCACAGATGAGTTTGATCAACGAATTCTTTATGAATACTTAGCAGAGGCCAGTG[TTG>T]TGTTTCCCAAAGTCTTTCCTGTTGTGTAAGTATCTCCTTTTGATTTTAATTCACCTTCGT-3'

ClinVar aggregate classification (germline): Pathogenic/Likely pathogenic. Review status: criteria provided, multiple submitters, no conflicts (2 of 4 stars). 4 submissions from 4 submitters: Pathogenic (3); Likely pathogenic (1). Last evaluated 2025-03-16.

Conditions:
Neurofibromatosis, type 1 (NF1). Also called: Neurofibromatosis, type I; VON RECKLINGHAUSEN DISEASE; Peripheral type neurofibromatosis; NEUROFIBROMATOSIS, TYPE I, SOMATIC. Identifiers: Orphanet 636, MedGen C0027831, MONDO:0018975, OMIM 162200. Disease mechanism: loss of function.

Submissions (4):

Labcorp Genetics (formerly Invitae), Labcorp
Classification: Pathogenic for Neurofibromatosis, type 1. Last evaluated: 2025-03-16. Review status: criteria provided, single submitter. Criteria: Invitae Variant Classification Sherloc (09022015). Collection method: clinical testing. Allele origin: germline.
Comment: This sequence change creates a premature translational stop signal (p.Phe2629Serfs*9) in the NF1 gene. It is expected to result in an absent or disrupted protein product. Loss-of-function variants in NF1 are known to be pathogenic (PMID: 10712197, 23913538). This variant is not present in population databases (gnomAD no frequency). This premature translational stop signal has been observed in individuals with clinical features of neurofibromatosis type 1 (PMID: 10862084, 18546366, 26969325). This variant is also known as c.7881_7882delTG. ClinVar contains an entry for this variant (Variation ID: 862375). For these reasons, this variant has been classified as Pathogenic.

GeneDx
Classification: Pathogenic. Last evaluated: 2023-05-09. Review status: criteria provided, single submitter. Criteria: GeneDx Variant Classification Process June 2021. Collection method: clinical testing. Allele origin: germline. Affected: yes.
Comment: Frameshift variant predicted to result in protein truncation or nonsense mediated decay in a gene for which loss of function is a known mechanism of disease; Not observed at significant frequency in large population cohorts (gnomAD); This variant is associated with the following publications: (PMID: 10862084, 35885913)

Genome-Nilou Lab
Classification: Pathogenic for Neurofibromatosis, type 1. Last evaluated: 2022-03-15. Review status: criteria provided, single submitter. Criteria: ACMG Guidelines, 2015. Collection method: clinical testing. Allele origin: germline. Affected: no.

Genome Diagnostics Laboratory, The Hospital for Sick Children
Classification: Likely pathogenic for Neurofibromatosis, type 1. Last evaluated: 2020-10-26. Review status: criteria provided, single submitter. Criteria: ACMG Guidelines, 2015. Collection method: clinical testing. Allele origin: germline. Affected: yes.

Literature cited by the submitters: PubMed 10712197 (cited by Labcorp Genetics (formerly Invitae), Labcorp); PubMed 23913538 (cited by Labcorp Genetics (formerly Invitae), Labcorp); PubMed 10862084 (cited by Labcorp Genetics (formerly Invitae), Labcorp); PubMed 18546366 (cited by Labcorp Genetics (formerly Invitae), Labcorp); PubMed 26969325 (cited by Labcorp Genetics (formerly Invitae), Labcorp).